The following is an entry in ClinVar:

NM_000038.6(APC):c.5753T>A (p.Ile1918Lys)

Gene: APC (APC regulator of Wnt signaling pathway; plus strand). Cytogenetic location: 5q22.2.
Variant type: single nucleotide variant.
Coding change: c.5753T>A on transcript NM_000038.6 (MANE Select); coding-DNA position 5753, T replaced by A.
Protein change: p.Ile1918Lys; replaces isoleucine 1918 with lysine.
Molecular consequence: missense variant.
Genome position (GRCh38, 1-based): chr5:112,841,347, T>A. VCF-style: chr5-112841347-T-A. GRCh37 (hg19) VCF-style: chr5-112177044-T-A.
Other names: c.5753T>A, p.Ile1918Lys (NM_001127510.3, NM_001354895.2); c.5699T>A, p.Ile1900Lys (NM_001127511.3); c.5807T>A, p.Ile1936Lys (NM_001354896.2); c.5783T>A, p.Ile1928Lys (NM_001354897.2); c.5678T>A, p.Ile1893Lys (NM_001354898.2); c.5669T>A, p.Ile1890Lys (NM_001354899.2); c.5630T>A, p.Ile1877Lys (NM_001354900.2); c.5576T>A, p.Ile1859Lys (NM_001354901.2); and 5 more; short protein forms I1635K, I1890K, I1893K, I1928K, I1817K, I1859K, I1918K, I1827K.
Identifiers: ClinVar variation 1357355 (VCV001357355.11), dbSNP rs2149948293, ClinGen allele CA16033923.

ClinVar aggregate classification (germline): Uncertain significance. Review status: criteria provided, multiple submitters, no conflicts (2 of 4 stars). 3 submissions from 3 submitters: Uncertain significance (3). Last evaluated 2023-02-04.

Conditions:
Hereditary cancer-predisposing syndrome. Also called: Tumor predisposition; Hereditary neoplastic syndrome; Neoplastic Syndromes, Hereditary; Hereditary Cancer Syndrome. Identifiers: Orphanet 140162, MedGen C0027672, MeSH D009386, MONDO:0015356.
Familial adenomatous polyposis 1 (FAP1). Also called: FAMILIAL ADENOMATOUS POLYPOSIS 1, ATTENUATED; POLYPOSIS, ADENOMATOUS INTESTINAL. Identifiers: MedGen C2713442, MONDO:0021056, OMIM 175100. Disease mechanism: loss of function.

gnomAD v4.1: 1 of 1,613,790 alleles (0.000062%); highest among the groups gnomAD compares: Non-Finnish European, 0.000085%; no homozygotes.

Submissions (3):

Labcorp Genetics (formerly Invitae), Labcorp
Classification: Uncertain significance for Familial adenomatous polyposis 1. Last evaluated: 2023-02-04. Review status: criteria provided, single submitter. Criteria: Invitae Variant Classification Sherloc (09022015). Collection method: clinical testing. Allele origin: germline.
Comment: In summary, the available evidence is currently insufficient to determine the role of this variant in disease. Therefore, it has been classified as a Variant of Uncertain Significance. Advanced modeling of protein sequence and biophysical properties (such as structural, functional, and spatial information, amino acid conservation, physicochemical variation, residue mobility, and thermodynamic stability) performed at Invitae indicates that this missense variant is not expected to disrupt APC protein function. ClinVar contains an entry for this variant (Variation ID: 1357355). This variant has not been reported in the literature in individuals affected with APC-related conditions. This variant is not present in population databases (gnomAD no frequency). This sequence change replaces isoleucine, which is neutral and non-polar, with lysine, which is basic and polar, at codon 1918 of the APC protein (p.Ile1918Lys).

Ambry Genetics
Classification: Uncertain significance for Hereditary cancer-predisposing syndrome. Last evaluated: 2022-04-09. Review status: criteria provided, single submitter. Criteria: Ambry Variant Classification Scheme 2023. Collection method: clinical testing. Allele origin: germline.
Comment: The p.I1918K variant (also known as c.5753T>A), located in coding exon 15 of the APC gene, results from a T to A substitution at nucleotide position 5753. The isoleucine at codon 1918 is replaced by lysine, an amino acid with dissimilar properties. This amino acid position is conserved. In addition, in silico predictors for this gene do not accurately predict pathogenicity. Since supporting evidence is limited at this time, the clinical significance of this alteration remains unclear.

Sema4
Classification: Uncertain significance for Hereditary cancer-predisposing syndrome. Last evaluated: 2021-09-09. Review status: criteria provided, single submitter. Criteria: Sema4 Curation Guidelines. Collection method: curation. Allele origin: germline.
Comment: The APC c.5753T>A (p.I1918K) variant has not been reported in the literature to our knowledge. This variant was not observed in the large and broad cohorts of the Genome Aggregation Database (PMID: 32461654). This variant has not been reported in ClinVar. Functional studies have not been performed, and in silico predictions of the variant's effect on protein function are inconclusive. The overall evidence is insufficient to meet ACMG/AMP criteria for classifying it as benign or pathogenic. In summary, the clinical significance of this variant is currently uncertain.